The following is an entry in ClinVar:

ClinVar aggregate classification (germline): Uncertain significance (1 of 4 stars; one submission).

Conditions:
Cornelia de Lange syndrome 1 (CDLS1). Also called: Brachmann de Lange syndrome; NIPBL-Related Cornelia de Lange Syndrome; TYPUS DEGENERATIVUS AMSTELODAMENSIS. Identifiers: Orphanet 199, MedGen C4551851, MONDO:0007387, OMIM 122470.

Submission:

Labcorp Genetics (formerly Invitae), Labcorp
Classification: Uncertain significance for Cornelia de Lange syndrome 1. Last evaluated: 2025-04-01. Review status: criteria provided, single submitter. Criteria: Invitae Variant Classification Sherloc (09022015). Collection method: clinical testing. Allele origin: germline.
Comment: This sequence change replaces glycine, which is neutral and non-polar, with glutamic acid, which is acidic and polar, at codon 286 of the NIPBL protein (p.Gly286Glu). This variant is present in population databases (rs148862607, gnomAD 0.004%). This variant has not been reported in the literature in individuals affected with NIPBL-related conditions. Invitae Evidence Modeling of protein sequence and biophysical properties (such as structural, functional, and spatial information, amino acid conservation, physicochemical variation, residue mobility, and thermodynamic stability) indicates that this missense variant is not expected to disrupt NIPBL protein function with a negative predictive value of 95%. In summary, the available evidence is currently insufficient to determine the role of this variant in disease. Therefore, it has been classified as a Variant of Uncertain Significance.

NM_133433.4(NIPBL):c.857G>A (p.Gly286Glu)

Gene: NIPBL (NIPBL cohesin loading factor; plus strand). Cytogenetic location: 5p13.2.
Variant type: single nucleotide variant.
Coding change: c.857G>A on transcript NM_133433.4 (MANE Select); coding-DNA position 857, G replaced by A.
Protein change: p.Gly286Glu; replaces glycine 286 with glutamic acid.
Molecular consequence: missense variant.
Genome position (GRCh38, 1-based): chr5:36,972,030, G>A. VCF-style: chr5-36972030-G-A. GRCh37 (hg19) VCF-style: chr5-36972132-G-A.
Other names: c.857G>A, p.Gly286Glu (NM_001438586.1, NM_015384.5); short protein forms G286E.
Identifiers: ClinVar variation 4810449 (VCV004810449.1).
Genomic context (GRCh38, chr5:36,972,030, plus strand): 5'-ATGCTGCATCTTTTCCCTTGAGATCTCCACAGCCAGTATGCTCCCCTGCTGGAAGTGAAG[G>A]AACTCCTAAAGGTACTACTGTAACTAAAATTTCCTTCTGTATATTTTATATTTGAAGTTG-3'
Protein context (NP_597677.2, residues 276-296): QPVCSPAGSE[Gly286Glu]TPKGSRPPLI